The following is an entry in ClinVar:

NM_001267550.2(TTN):c.4619C>A (p.Ser1540Ter)

Genes: TTN (titin; minus strand), LOC101927055 (uncharacterized LOC101927055; plus strand). Cytogenetic location: 2q31.2.
Variant type: single nucleotide variant.
Coding change: c.4619C>A on transcript NM_001267550.2 (MANE Select); coding-DNA position 4619, C replaced by A.
Protein change: p.Ser1540Ter; replaces serine 1540 with a stop codon.
Molecular consequence: nonsense. On other transcripts: non-coding transcript variant (1).
Genome position (GRCh38, 1-based): chr2:178,777,446, G>T on the plus strand (C>A on the coding strand, the complement: TTN is on the minus strand). VCF-style: chr2-178777446-G-T. GRCh37 (hg19) VCF-style: chr2-179642173-G-T.
Other names: c.4619C>A, p.Ser1540Ter (NM_001256850.1, NM_133378.4, NM_133379.5); c.4481C>A, p.Ser1494Ter (NM_003319.4, NM_133432.3, NM_133437.4); short protein forms S1494*, S1540*.
Identifiers: ClinVar variation 4786719 (VCV004786719.1).
Genomic context (GRCh38, chr2:178,777,446, plus strand): 5'-AAAATTCATTTATTTTTATTTTATCTCATTTTACCTTCCACAGTTAAAATCACTGAAATT[G>T]AAGATCTGCCTGCCCTGTTTTGGGCAACCACAGTCCATTCCCCAGAATCACTGGGTGTGG-3'

ClinVar aggregate classification (germline): Likely pathogenic (1 of 4 stars; one submission).

Conditions:
Autosomal recessive limb-girdle muscular dystrophy type 2J (LGMDR10). Also called: Limb-girdle muscular dystrophy, type 2J; MUSCULAR DYSTROPHY, LIMB-GIRDLE, AUTOSOMAL RECESSIVE 10. Identifiers: Orphanet 140922, MedGen C1837342, MONDO:0012127, OMIM 608807.
Dilated cardiomyopathy 1G (CMD1G). Identifiers: Orphanet 154, MedGen C1858763, MONDO:0011400, OMIM 604145.

Submission:

Labcorp Genetics (formerly Invitae), Labcorp
Classification: Likely pathogenic for Dilated cardiomyopathy 1G; Autosomal recessive limb-girdle muscular dystrophy type 2J. Last evaluated: 2025-11-16. Review status: criteria provided, single submitter. Criteria: Invitae Variant Classification Sherloc (09022015). Collection method: clinical testing. Allele origin: germline.
Comment: This sequence change creates a premature translational stop signal (p.Ser1540*) in the TTN gene. While this is not anticipated to result in nonsense mediated decay, it is expected to create a truncated TTN protein. This variant is not present in population databases (gnomAD no frequency). This variant has not been reported in the literature in individuals affected with TTN-related conditions. Algorithms developed to predict the effect of sequence changes on RNA splicing suggest that this variant may disrupt the consensus splice site. This variant is located in the Z band of TTN (PMID: 25589632). Truncating variants in this region have been reported in individuals affected with autosomal recessive centronuclear myopathy (PMID: 33449170, internal data). Truncating variants in this region have also been identified in individuals affected with autosomal dominant dilated cardiomyopathy and/or cardio-related conditions (PMID: 27869827, 32964742, internal data). In summary, the currently available evidence indicates that the variant is pathogenic, but additional data are needed to prove that conclusively. Therefore, this variant has been classified as Likely Pathogenic.

Literature cited by the submitters: PubMed 25589632; PubMed 33449170; PubMed 27869827; PubMed 32964742.